The following is an entry in ClinVar:

NM_007294.4(BRCA1):c.2305_2306del (p.Ile769fs)

Gene: BRCA1 (BRCA1 DNA repair associated; minus strand). Cytogenetic location: 17q21.31.
Variant type: Deletion.
Coding change: c.2305_2306del on transcript NM_007294.4 (MANE Select); coding-DNA positions 2305 to 2306, 2 bases deleted (AT; older notation c.2305_2306delAT).
Protein change: p.Ile769fs; shifts the reading frame from isoleucine 769.
Molecular consequence: frameshift variant. On other transcripts: intron variant (137).
Genome position (GRCh38, 1-based): chr17:43,093,225-43,093,226, AT deleted on the plus strand (AT on the coding strand, the reverse complement: BRCA1 is on the minus strand); deleting any 2 consecutive bases within chr17:43,093,225-43,093,227 gives the same sequence; the c. name uses the placement nearest the transcript's 3' end. VCF-style (leftmost placement, unchanged base first): chr17-43093224-AAT-A. GRCh37 (hg19) VCF-style: chr17-41245241-AAT-A.
Other names: c.2092_2093del, p.Ile698fs (NM_001407571.1, NM_001407853.1, NM_001407894.1 and 9 more transcripts); c.2305_2306del, p.Ile769fs (NM_001407581.1, NM_001407582.1, NM_001407583.1 and 30 more transcripts); c.2302_2303del, p.Ile768fs (NM_001407587.1, NM_001407590.1, NM_001407591.1 and 22 more transcripts); c.2296_2297del, p.Ile766fs (NM_001407646.1, NM_001407647.1); c.2182_2183del, p.Ile728fs (NM_001407648.1, NM_001407664.1, NM_001407665.1 and 19 more transcripts); c.2179_2180del, p.Ile727fs (NM_001407649.1, NM_001407670.1, NM_001407671.1 and 11 more transcripts); c.2227_2228del, p.Ile743fs (NM_001407653.1, NM_001407654.1, NM_001407655.1 and 4 more transcripts); c.2224_2225del, p.Ile742fs (NM_001407659.1, NM_001407660.1, NM_001407661.1 and 1 more transcripts); and 41 more; short protein forms I722fs, I769fs, I641fs, I681fs, I768fs, I642fs, I658fs, I698fs.
Identifiers: ClinVar variation 1417831 (VCV001417831.7), dbSNP rs2154384493, ClinGen allele CA2573154039.

ClinVar aggregate classification (germline): Pathogenic (1 of 4 stars; one submission).

Conditions:
Hereditary breast ovarian cancer syndrome. Also called: Hereditary breast and ovarian cancer syndrome (HBOC); Breast and ovarian cancer; Hereditary breast and ovarian cancer syndrome; Hereditary breast and/or ovarian cancer syndrome; BRCA1- and BRCA2-Associated Hereditary Breast and Ovarian Cancer; Hereditary breast and ovarian cancer. Identifiers: Orphanet 145, MedGen C0677776, MeSH D061325, MONDO:0003582. Disease mechanism: loss of function.

Submission:

Labcorp Genetics (formerly Invitae), Labcorp
Classification: Pathogenic for Hereditary breast ovarian cancer syndrome. Last evaluated: 2021-09-29. Review status: criteria provided, single submitter. Criteria: Invitae Variant Classification Sherloc (09022015). Collection method: clinical testing. Allele origin: germline.
Comment: This sequence change creates a premature translational stop signal (p.Ile769Phefs*7) in the BRCA1 gene. It is expected to result in an absent or disrupted protein product. Loss-of-function variants in BRCA1 are known to be pathogenic (PMID: 20104584). This variant is not present in population databases (ExAC no frequency). This variant has not been reported in the literature in individuals affected with BRCA1-related conditions. For these reasons, this variant has been classified as Pathogenic.

Literature cited by the submitters: PubMed 20104584.